The following is an entry in ClinVar:

ClinVar aggregate classification (germline): Uncertain significance (1 of 4 stars; one submission).

Allele frequency attached by ClinVar (database versions not stated): ExAC 0.00001.
gnomAD v4.1: 5 of 1,593,144 alleles (0.00031%); highest among the groups gnomAD compares: Non-Finnish European, 0.00034%; no homozygotes.

Submission:

GeneDx
Classification: Uncertain significance. Last evaluated: 2023-02-11. Review status: criteria provided, single submitter. Criteria: GeneDx Variant Classification Process June 2021. Collection method: clinical testing. Allele origin: germline. Affected: yes.
Comment: Not observed at a significant frequency in large population cohorts (gnomAD); Nonsense variant predicted to result in protein truncation as the last 3 amino acids are lost, although loss-of-function variants have not been reported downstream of this position in the protein; Has not been previously published as pathogenic or benign to our knowledge

NM_022167.4(XYLT2):c.2587C>T (p.Arg863Ter)

Gene: XYLT2 (xylosyltransferase 2; plus strand). Cytogenetic location: 17q21.33.
Variant type: single nucleotide variant.
Coding change: c.2587C>T on transcript NM_022167.4 (MANE Select); coding-DNA position 2587, C replaced by T.
Protein change: p.Arg863Ter; replaces arginine 863 with a stop codon.
Molecular consequence: nonsense.
Genome position (GRCh38, 1-based): chr17:50,360,280, C>T. VCF-style: chr17-50360280-C-T. GRCh37 (hg19) VCF-style: chr17-48437641-C-T.
Other names: short protein forms R863*.
Identifiers: ClinVar variation 2430623 (VCV002430623.1), dbSNP rs762129763, ClinGen allele CA8646760.